The following is an entry in ClinVar:

NM_032119.4(ADGRV1):c.6382C>T (p.Arg2128Ter)

Gene: ADGRV1 (adhesion G protein-coupled receptor V1; plus strand). Cytogenetic location: 5q14.3.
Variant type: single nucleotide variant.
Coding change: c.6382C>T on transcript NM_032119.4 (MANE Select); coding-DNA position 6382, C replaced by T.
Protein change: p.Arg2128Ter; replaces arginine 2128 with a stop codon.
Molecular consequence: nonsense. On other transcripts: non-coding transcript variant (1).
Genome position (GRCh38, 1-based): chr5:90,685,887, C>T. VCF-style: chr5-90685887-C-T. GRCh37 (hg19) VCF-style: chr5-89981704-C-T.
Other names: c.6382C>T (NM_032119.3); short protein forms R2128*.
Identifiers: ClinVar variation 1458192 (VCV001458192.8), dbSNP rs727504561, ClinGen allele CA3339768.

ClinVar aggregate classification (germline): Pathogenic. Review status: criteria provided, multiple submitters, no conflicts (2 of 4 stars). 3 submissions from 3 submitters: Pathogenic (2). 1 of the submissions does not count toward it. Last evaluated 2025-10-26.

Conditions:
ADGRV1-related disorder. Also called: ADGRV1-related disorders; ADGRV1-related condition.

Allele frequency attached by ClinVar (database versions not stated): gnomAD 0.00001.
gnomAD v4.1: 9 of 1,611,954 alleles (0.00056%); highest among the groups gnomAD compares: Admixed American, 0.0017%; no homozygotes.

Submissions (3):

Labcorp Genetics (formerly Invitae), Labcorp
Classification: Pathogenic. Last evaluated: 2025-10-26. Review status: criteria provided, single submitter. Criteria: Invitae Variant Classification Sherloc (09022015). Collection method: clinical testing. Allele origin: germline.
Comment: This sequence change creates a premature translational stop signal (p.Arg2128*) in the ADGRV1 gene. It is expected to result in an absent or disrupted protein product. Loss-of-function variants in ADGRV1 are known to be pathogenic (PMID: 19357117, 22135276, 22147658, 26226137, 30718709, 31047384, 32467589). This variant is present in population databases (rs727504561, gnomAD 0.006%). This premature translational stop signal has been observed in individual(s) with Usher syndrome (PMID: 26432996). In at least one individual the data is consistent with being in trans (on the opposite chromosome) from a pathogenic variant. ClinVar contains an entry for this variant (Variation ID: 1458192). For these reasons, this variant has been classified as Pathogenic.

Blueprint Genetics
Classification: Pathogenic for ADGRV1-related disorders. Last evaluated: 2023-10-09. Review status: criteria provided, single submitter. Criteria: ACMG Guidelines, 2015. Collection method: clinical testing. Allele origin: germline. Affected: yes. Observed: 5 variant alleles.

PreventionGenetics, part of Exact Sciences
Classification: Pathogenic for ADGRV1-related condition. Last evaluated: 2024-09-10. Review status: no assertion criteria provided. Collection method: clinical testing. Allele origin: germline. Not counted in ClinVar's aggregate classification.
Comment: The ADGRV1 c.6382C>T variant is predicted to result in premature protein termination (p.Arg2128*). To our knowledge, this variant has not been reported in the literature. This variant is reported in 0.0056% of alleles in individuals of East Asian descent in gnomAD. Nonsense variants in ADGRV1 are expected to be pathogenic. This variant is interpreted as pathogenic.

Literature cited by the submitters: PubMed 19357117 (cited by Labcorp Genetics (formerly Invitae), Labcorp); PubMed 22135276 (cited by Labcorp Genetics (formerly Invitae), Labcorp); PubMed 22147658 (cited by Labcorp Genetics (formerly Invitae), Labcorp); PubMed 26226137 (cited by Labcorp Genetics (formerly Invitae), Labcorp); PubMed 30718709 (cited by Labcorp Genetics (formerly Invitae), Labcorp); PubMed 31047384 (cited by Labcorp Genetics (formerly Invitae), Labcorp); PubMed 32467589 (cited by Labcorp Genetics (formerly Invitae), Labcorp); PubMed 26432996 (cited by Labcorp Genetics (formerly Invitae), Labcorp).